The following is an entry in ClinVar:

NM_178857.6(RP1L1):c.4213G>A (p.Val1405Ile)

Gene: RP1L1 (RP1 like 1). Cytogenetic location: 8p23.1.
Variant type: single nucleotide variant.
Coding change: c.4213G>A on transcript NM_178857.6 (MANE Select); coding-DNA position 4213, G replaced by A.
Protein change: p.Val1405Ile; replaces valine 1405 with isoleucine.
Molecular consequence: missense variant.
Genome position (GRCh38, 1-based): chr8:10,609,885, C>T on the plus strand (G>A on the coding strand, the complement: RP1L1 is on the minus strand). VCF-style: chr8-10609885-C-T. GRCh37 (hg19) VCF-style: chr8-10467395-C-T.
Other names: c.4213G>A (NM_178857.5); short protein forms V1405I.
Identifiers: ClinVar variation 3027992 (VCV003027992.3), dbSNP rs199653359, ClinGen allele CA4624102.

ClinVar aggregate classification (germline): Uncertain significance. Review status: criteria provided, multiple submitters, no conflicts (2 of 4 stars). 3 submissions from 3 submitters: Uncertain significance (3). Last evaluated 2026-03-03.

Conditions:
Retinal dystrophy. Also called: Inherited retinal dystrophy. Identifiers: Orphanet 71862, MedGen C0854723, MeSH D058499, MONDO:0019118, HP:0000556.
RP1L1-related disorder. Also called: RP1L1-related condition.

Allele frequency attached by ClinVar (database versions not stated): gnomAD exomes 0.00003; ExAC 0.00004; gnomAD 0.00004; TOPMed 0.00005; 1000 Genomes Project 0.00060; 1000 Genomes Project 30x 0.00062.
gnomAD v4.1: 56 of 1,594,634 alleles (0.0035%); highest among the groups gnomAD compares: Admixed American, 0.014%; no homozygotes.

Submissions (3):

PreventionGenetics, part of Exact Sciences
Classification: Uncertain significance for RP1L1-related condition. Last evaluated: 2026-03-03. Review status: criteria provided, single submitter. Criteria: ACMG Guidelines, 2015. Collection method: clinical testing. Allele origin: germline.
Comment: The RP1L1 c.4213G>A variant is predicted to result in the amino acid substitution p.Val1405Ile. To our knowledge, this variant has not been reported in the literature. This variant is reported in 0.0065% of alleles in individuals of African descent in gnomAD. At this time, the clinical significance of this variant is uncertain due to the absence of conclusive functional and genetic evidence.

Blueprint Genetics
Classification: Uncertain significance. Last evaluated: 2024-03-26. Review status: criteria provided, single submitter. Criteria: ACMG Guidelines, 2015. Collection method: clinical testing. Allele origin: germline.

Dept Of Ophthalmology, Nagoya University
Classification: Uncertain significance for Retinal dystrophy. Last evaluated: 2023-10-01. Review status: criteria provided, single submitter. Criteria: Submitter's publication. Collection method: research. Allele origin: germline. Affected: yes.